The following is an entry in ClinVar:

NM_022041.4(GAN):c.803C>T (p.Pro268Leu)

Gene: GAN (gigaxonin; plus strand). Cytogenetic location: 16q23.2.
Variant type: single nucleotide variant.
Coding change: c.803C>T on transcript NM_022041.4 (MANE Select); coding-DNA position 803, C replaced by T.
Protein change: p.Pro268Leu; replaces proline 268 with leucine.
Molecular consequence: missense variant.
Genome position (GRCh38, 1-based): chr16:81,356,954, C>T. VCF-style: chr16-81356954-C-T. GRCh37 (hg19) VCF-style: chr16-81390559-C-T.
Other names: c.164C>T, p.Pro55Leu (NM_001377486.1); short protein forms P55L, P268L.
Identifiers: ClinVar variation 1996096 (VCV001996096.4), dbSNP rs928218563, ClinGen allele CA284305099.
Genomic context (GRCh38, chr16:81,356,954, plus strand): 5'-GTAGCAATATACCGCTCAGCCAGCCGCAGCAAGGGGAGGCGATGCTGGCCAACTTCAAAC[C>T]CCGGGGCTACTCTGAGTGCATCGTGACTGTTGGTGGAGAAGAGAGAGTGTAAGTATGAGG-3'
Protein context (NP_071324.1, residues 258-278): QGEAMLANFK[Pro268Leu]RGYSECIVTV

ClinVar aggregate classification (germline): Uncertain significance (1 of 4 stars; one submission).

Conditions:
Giant axonal neuropathy 1 (GAN1). Also called: GAN-Related Neurodegeneration; GIANT AXONAL NEUROPATHY 1, AUTOSOMAL RECESSIVE. Identifiers: Orphanet 643, MedGen C1850386, MONDO:0009749, OMIM 256850.

Allele frequency attached by ClinVar (database versions not stated): gnomAD exomes below 0.00001.
gnomAD v4.1: 1 of 1,613,404 alleles (0.000062%); highest among the groups gnomAD compares: Non-Finnish European, 0.000085%; no homozygotes.

Submission:

Labcorp Genetics (formerly Invitae), Labcorp
Classification: Uncertain significance for Giant axonal neuropathy 1. Last evaluated: 2022-05-24. Review status: criteria provided, single submitter. Criteria: Invitae Variant Classification Sherloc (09022015). Collection method: clinical testing. Allele origin: germline.
Comment: In summary, the available evidence is currently insufficient to determine the role of this variant in disease. Therefore, it has been classified as a Variant of Uncertain Significance. Algorithms developed to predict the effect of missense changes on protein structure and function are either unavailable or do not agree on the potential impact of this missense change (SIFT: "Deleterious"; PolyPhen-2: "Benign"; Align-GVGD: "Class C65"). This variant has not been reported in the literature in individuals affected with GAN-related conditions. This variant is not present in population databases (gnomAD no frequency). This sequence change replaces proline, which is neutral and non-polar, with leucine, which is neutral and non-polar, at codon 268 of the GAN protein (p.Pro268Leu).